The following is an entry in ClinVar:

NM_001018113.3(FANCB):c.17C>A (p.Ala6Glu)

Gene: FANCB (FA complementation group B; minus strand). Cytogenetic location: Xp22.2.
Variant type: single nucleotide variant.
Coding change: c.17C>A on transcript NM_001018113.3 (MANE Select); coding-DNA position 17, C replaced by A.
Protein change: p.Ala6Glu; replaces alanine 6 with glutamic acid.
Molecular consequence: missense variant. On other transcripts: non-coding transcript variant (1).
Genome position (GRCh38, 1-based): chrX:14,865,494, G>T on the plus strand (C>A on the coding strand, the complement: FANCB is on the minus strand). VCF-style: chrX-14865494-G-T. GRCh37 (hg19) VCF-style: chrX-14883616-G-T.
Other names: c.17C>A, p.Ala6Glu (NM_001324162.2, NM_152633.4); short protein forms A6E.
Identifiers: ClinVar variation 1358458 (VCV001358458.3), dbSNP rs780032769, ClinGen allele CA10353243.
Genomic context (GRCh38, chrX:14,865,494, plus strand): 5'-TGGAAAACAAGGACTTCCCCATTATAACACAAGAGCCTTTCTTGTTCGTTAGATGACATT[G>T]CTTGTTTGCTAGTCATTCCACAATATCAAGTCTTTGTGCTGATCTAATTTTCAAATGCAA-3'
Protein context (NP_001018123.1, residues 1-16): MTSKQ[Ala6Glu]MSSNEQERLL

ClinVar aggregate classification (germline): Uncertain significance (1 of 4 stars; one submission).

Conditions:
Fanconi anemia (FA). Also called: Fanconi's anemia. Identifiers: Orphanet 84, MedGen C0015625, MeSH D005199, MONDO:0019391.

Allele frequency attached by ClinVar (database versions not stated): gnomAD exomes below 0.00001 and 0.00001; ExAC 0.00001.
gnomAD v4.1: 2 of 1,193,004 alleles (0.00017%); highest among the groups gnomAD compares: Non-Finnish European, 0.00023%; no homozygotes.

Submission:

Labcorp Genetics (formerly Invitae), Labcorp
Classification: Uncertain significance for Fanconi anemia. Last evaluated: 2021-10-04. Review status: criteria provided, single submitter. Criteria: Invitae Variant Classification Sherloc (09022015). Collection method: clinical testing. Allele origin: germline.
Comment: This sequence change replaces alanine with glutamic acid at codon 6 of the FANCB protein (p.Ala6Glu). The alanine residue is weakly conserved and there is a moderate physicochemical difference between alanine and glutamic acid. This variant is present in population databases (rs780032769, ExAC 0.002%). This variant has not been reported in the literature in individuals affected with FANCB-related conditions. Algorithms developed to predict the effect of missense changes on protein structure and function (SIFT, PolyPhen-2, Align-GVGD) all suggest that this variant is likely to be tolerated. In summary, the available evidence is currently insufficient to determine the role of this variant in disease. Therefore, it has been classified as a Variant of Uncertain Significance.